The following is an entry in ClinVar:

NM_000548.5(TSC2):c.2864A>G (p.Gln955Arg)

Gene: TSC2 (TSC complex subunit 2; plus strand). Cytogenetic location: 16p13.3.
Variant type: single nucleotide variant.
Coding change: c.2864A>G on transcript NM_000548.5 (MANE Select); coding-DNA position 2864, A replaced by G.
Protein change: p.Gln955Arg; replaces glutamine 955 with arginine.
Molecular consequence: missense variant. On other transcripts: intron variant (31).
Genome position (GRCh38, 1-based): chr16:2,077,624, A>G. VCF-style: chr16-2077624-A-G. GRCh37 (hg19) VCF-style: chr16-2127625-A-G.
Other names: c.2864A>G, p.Gln955Arg (NM_001114382.3, NM_001406663.1, NM_001406664.1); c.2753A>G, p.Gln918Arg (NM_001406670.1); c.2717A>G, p.Gln906Arg (NM_001406675.1, NM_001406676.1); c.2264A>G, p.Gln755Arg (NM_001406680.1, NM_001406682.1, NM_001406683.1 and 1 more transcripts); c.1520A>G, p.Gln507Arg (NM_001406689.1); c.1493+1039A>G (NM_001406693.1, NM_001406690.1, NM_001406692.1 and 5 more transcripts); c.2927+1039A>G (NM_001406667.1, NM_001406668.1); c.2237+1039A>G (NM_001406687.1, NM_001406685.1, NM_001318831.2 and 2 more transcripts); and 8 more; short protein forms Q906R, Q955R, Q755R, Q918R, Q507R.
Identifiers: ClinVar variation 3462606 (VCV003462606.1).
Genomic context (GRCh38, chr16:2,077,624, plus strand): 5'-TCTGGGGCGTTGGGGCTCCTTCCTCACCCGATAGTCTGAGGATAGCCAGACCCCCCAAAC[A>G]AGGCTTGAATAACTCTCCACCCGTGAAAGAATTCAAGGAGAGCTCTGCAGCCGAGGCCTT-3'
Protein context (NP_000539.2, residues 945-965): KSLRIARPPK[Gln955Arg]GLNNSPPVKE

ClinVar aggregate classification (germline): Uncertain significance (1 of 4 stars; one submission).

Conditions:
Hereditary cancer-predisposing syndrome. Also called: Tumor predisposition; Neoplastic Syndromes, Hereditary; Hereditary neoplastic syndrome; Hereditary Cancer Syndrome. Identifiers: Orphanet 140162, MedGen C0027672, MeSH D009386, MONDO:0015356.

Submission:

Ambry Genetics
Classification: Uncertain significance for Hereditary cancer-predisposing syndrome. Last evaluated: 2024-08-21. Review status: criteria provided, single submitter. Criteria: Ambry Variant Classification Scheme 2023. Collection method: clinical testing. Allele origin: germline.
Comment: The p.Q955R variant (also known as c.2864A>G), located in coding exon 25 of the TSC2 gene, results from an A to G substitution at nucleotide position 2864. The glutamine at codon 955 is replaced by arginine, an amino acid with highly similar properties. This amino acid position is conserved. In addition, the in silico prediction for this alteration is inconclusive. Based on the available evidence, the clinical significance of this variant remains unclear.